The following is an entry in ClinVar:

NM_000051.4(ATM):c.909T>C (p.Tyr303=)

Gene: ATM (ATM serine/threonine kinase; plus strand). Cytogenetic location: 11q22.3.
Variant type: single nucleotide variant.
Coding change: c.909T>C on transcript NM_000051.4 (MANE Select); coding-DNA position 909, T replaced by C.
Protein change: p.Tyr303=; no amino-acid change (tyrosine 303 retained).
Molecular consequence: synonymous variant.
Genome position (GRCh38, 1-based): chr11:108,246,971, T>C. VCF-style: chr11-108246971-T-C. GRCh37 (hg19) VCF-style: chr11-108117698-T-C.
Other names: c.909T>C, p.Tyr303= (NM_001351834.2).
Identifiers: ClinVar variation 510236 (VCV000510236.11), dbSNP rs1555068288, ClinGen allele CA476671498.

ClinVar aggregate classification (germline): Benign/Likely benign. Review status: criteria provided, multiple submitters, no conflicts (2 of 4 stars). 4 submissions from 4 submitters: Benign (1); Likely benign (3). Last evaluated 2024-04-24.

Conditions:
Hereditary cancer-predisposing syndrome. Also called: Hereditary Cancer Syndrome; Tumor predisposition; Neoplastic Syndromes, Hereditary; Hereditary neoplastic syndrome. Identifiers: Orphanet 140162, MedGen C0027672, MeSH D009386, MONDO:0015356.
Ataxia-telangiectasia syndrome (AT). Also called: Cerebello-oculocutaneous telangiectasia; Immunodeficiency with ataxia telangiectasia; AT, COMPLEMENTATION GROUP C; Ataxia-telangiectasia, complementation group D; LOUIS-BAR SYNDROME; Ataxia-telangiectasia, complementation group E. Identifiers: Orphanet 100, MedGen C0004135, MONDO:0008840, OMIM 208900.
Familial cancer of breast. Also called: BREAST CANCER, FAMILIAL; Hereditary breast cancer; hereditary breast carcinoma. Identifiers: Orphanet 227535, MedGen C0346153, MONDO:0016419, OMIM 114480. Disease mechanism: loss of function.

Allele frequency attached by ClinVar (database versions not stated): gnomAD exomes below 0.00001.

Submissions (4):

Myriad Genetics, Inc.
Classification: Benign for Familial cancer of breast. Last evaluated: 2024-04-24. Review status: criteria provided, single submitter. Criteria: Myriad Autosomal Dominant, Autosomal Recessive and X-Linked Classification Criteria (2023). Collection method: clinical testing. Allele origin: unknown.
Comment: This variant is considered benign. This variant is a silent/synonymous amino acid change and it is not expected to impact splicing.

Labcorp Genetics (formerly Invitae), Labcorp
Classification: Likely benign for Ataxia-telangiectasia syndrome. Last evaluated: 2023-11-24. Review status: criteria provided, single submitter. Criteria: Invitae Variant Classification Sherloc (09022015). Collection method: clinical testing. Allele origin: germline.

Ambry Genetics
Classification: Likely benign for Hereditary cancer-predisposing syndrome. Last evaluated: 2023-04-22. Review status: criteria provided, single submitter. Criteria: Ambry Variant Classification Scheme 2023. Collection method: clinical testing. Allele origin: germline.

GeneDx
Classification: Likely benign. Last evaluated: 2017-06-12. Review status: criteria provided, single submitter. Criteria: GeneDx Variant Classification (06012015). Collection method: clinical testing. Allele origin: germline. Affected: yes.
Comment: This variant is considered likely benign or benign based on one or more of the following criteria: it is a conservative change, it occurs at a poorly conserved position in the protein, it is predicted to be benign by multiple in silico algorithms, and/or has population frequency not consistent with disease.